The following is an entry in ClinVar:

ClinVar aggregate classification (germline): Conflicting classifications of pathogenicity. Review status: criteria provided, conflicting classifications (1 of 4 stars). 7 submissions from 6 submitters: Pathogenic (2); Likely pathogenic (2); Uncertain significance (2). 1 of the submissions does not count toward it. Last evaluated 2026-05-20.

Conditions:
Transitory neonatal diabetes mellitus. Also called: Transient neonatal diabetes mellitus. Identifiers: MedGen C0342273, MONDO:0020525, HP:0008255.
Maturity-onset diabetes of the young (MODY). Also called: Maturity onset diabetes mellitus in young. Identifiers: Orphanet 552, MedGen C0342276, MONDO:0018911, HP:0004904.
Hyperinsulinemic hypoglycemia, familial, 1 (HHF1). Also called: Persistent Hyperinsulinemia Hypoglycemia of Infancy; Persistent hyperinsulinemic hypoglycemia of infancy; HYPERINSULINISM, FAMILIAL, WITH PANCREATIC NESIDIOBLASTOSIS; HYPOGLYCEMIA, HYPERINSULINEMIC, OF INFANCY; NESIDIOBLASTOSIS OF PANCREAS. Identifiers: Orphanet 276575, Orphanet 276598, MedGen C2931832, MONDO:0009734, OMIM 256450.
Type 2 diabetes mellitus. Also called: Type II diabetes mellitus. Identifiers: MedGen C0011860, MeSH D003924, MONDO:0005148, OMIM 125853, HP:0005978.
Leucine-induced hypoglycemia (LIH). Also called: LEUCINE-SENSITIVE HYPOGLYCEMIA OF INFANCY. Identifiers: MedGen C0271714, MONDO:0009415, OMIM 240800.
Diabetes mellitus, transient neonatal, 2 (TNDM2). Identifiers: Orphanet 99886, MedGen C1835887, MONDO:0012480, OMIM 610374. Disease mechanism: loss of function.
Diabetes mellitus, permanent neonatal 3. Also called: ABCC8-Related Permanent Neonatal Diabetes Mellitus. Identifiers: MedGen C5394303, MONDO:0030088, OMIM 618857.

Submissions (7):

Myriad Genetics, Inc.
Classification: Pathogenic for Hyperinsulinemic hypoglycemia, familial, 1. Last evaluated: 2026-05-20. Review status: criteria provided, single submitter. Criteria: Myriad Autosomal Dominant, Autosomal Recessive and X-Linked Classification Criteria (2023). Collection method: clinical testing. Allele origin: unknown.
Comment: NM_000352.3(ABCC8):c.2222+1G>A is a variant in a canonical splice site classified as pathogenic in the context of familial hyperinsulinism, ABCC8-related. c.2222+1G>A has been observed in a case with relevant disease (PMID: 32027066). Relevant functional assessments of this variant are not available in the literature. c.2222+1G>A has not been observed in referenced population frequency databases. In summary, NM_000352.3(ABCC8):c.2222+1G>A is a variant in a canonical splice site in a gene where loss of function is a known mechanism of disease, is predicted to disrupt protein function, and has been observed more frequently in cases with the relevant disease than in healthy populations. Please note: this variant was assessed in the context of healthy population screening.

Fulgent Genetics
Classification: Likely pathogenic for Type 2 diabetes mellitus; Leucine-induced hypoglycemia; Hyperinsulinemic hypoglycemia, familial, 1; Diabetes mellitus, transient neonatal, 2; Diabetes mellitus, permanent neonatal 3. Last evaluated: 2024-03-15. Review status: criteria provided, single submitter. Criteria: ACMG Guidelines, 2015. Collection method: clinical testing. Allele origin: germline.

Baylor Genetics
Classification: Pathogenic for Type 2 diabetes mellitus. Last evaluated: 2023-03-13. Review status: criteria provided, single submitter. Criteria: ACMG Guidelines, 2015. Collection method: clinical testing. Allele origin: unknown.

Labcorp Genetics (formerly Invitae), Labcorp
Classification: Likely pathogenic. Last evaluated: 2019-03-01. Review status: criteria provided, single submitter. Criteria: Invitae Variant Classification Sherloc (09022015). Collection method: clinical testing. Allele origin: germline.
Comment: In summary, the currently available evidence indicates that the variant is pathogenic, but additional data are needed to prove that conclusively. Therefore, this variant has been classified as Likely Pathogenic. Donor and acceptor splice site variants typically lead to a loss of protein function (PMID: 16199547), and loss-of-function variants in ABCC8 are known to be pathogenic (PMID: 20685672, 23345197). Algorithms developed to predict the effect of sequence changes on RNA splicing suggest that this variant may disrupt the consensus splice site, but this prediction has not been confirmed by published transcriptional studies. This variant has been observed in an individual affected with ABCC8-related disease (PMID: 27889714). ClinVar contains an entry for this variant (Variation ID: 554770). This variant is not present in population databases (ExAC no frequency). This sequence change affects a donor splice site in intron 16 of the ABCC8 gene. It is expected to disrupt RNA splicing and likely results in an absent or disrupted protein product.

Clinical Genomics, Uppaluri K&H Personalized Medicine Clinic
Classification: Uncertain significance for Transitory neonatal diabetes mellitus. Review status: criteria provided, single submitter. Criteria: K & H Uppaluri Personalized Medicine Clinic Variant Classification & Assertion Criteria_Updated V.1. Collection method: research. Allele origin: unknown. Inheritance: Somatic mutation.
Comment: Mutations in ABCC8 gene are associated with both neonatal diabetes mellitus as well as MODY. Patients with this mutation may have a better response to sulfonylureas. However, no sufficient evidence is found to ascertain the role of this particular variant ( rs1554923999) in neonatal diabetes yet.

Clinical Genomics, Uppaluri K&H Personalized Medicine Clinic
Classification: Uncertain significance for Maturity-onset diabetes of the young. Review status: criteria provided, single submitter. Criteria: K & H Uppaluri Personalized Medicine Clinic Variant Classification & Assertion Criteria_Updated V.1. Collection method: research. Allele origin: unknown. Inheritance: Somatic mutation.
Comment: Mutations in ABCC8 gene are associated with both neonatal diabetes mellitus as well as MODY. Patients with this mutation may have a better response to sulfonylureas. However, no sufficient evidence is found to ascertain the role of this particular variant ( rs1554923999) in MODY yet.

Counsyl
Classification: Likely pathogenic for Hyperinsulinemic hypoglycemia, familial, 1. Last evaluated: 2017-11-02. Review status: no assertion criteria provided. Collection method: clinical testing. Allele origin: unknown. Not counted in ClinVar's aggregate classification.

Literature cited by the submitters: PubMed 32027066 (cited by Myriad Genetics, Inc. and Clinical Genomics, Uppaluri K&H Personalized Medicine Clinic); PubMed 16199547 (cited by Labcorp Genetics (formerly Invitae), Labcorp); PubMed 20685672 (cited by Labcorp Genetics (formerly Invitae), Labcorp); PubMed 23345197 (cited by Labcorp Genetics (formerly Invitae), Labcorp); PubMed 27889714 (cited by Labcorp Genetics (formerly Invitae), Labcorp and Counsyl); PubMed 16885549 (cited by Clinical Genomics, Uppaluri K&H Personalized Medicine Clinic); PubMed 21989597 (cited by Clinical Genomics, Uppaluri K&H Personalized Medicine Clinic); PubMed 27538677 (cited by Clinical Genomics, Uppaluri K&H Personalized Medicine Clinic); PubMed 18981553 (cited by Clinical Genomics, Uppaluri K&H Personalized Medicine Clinic); PubMed 16613899 (cited by Clinical Genomics, Uppaluri K&H Personalized Medicine Clinic); PubMed 18025408 (cited by Clinical Genomics, Uppaluri K&H Personalized Medicine Clinic); PubMed 32792356 (cited by Clinical Genomics, Uppaluri K&H Personalized Medicine Clinic).

NM_000352.6(ABCC8):c.2222+1G>A

Gene: ABCC8 (ATP binding cassette subfamily C member 8; minus strand). Cytogenetic location: 11p15.1.
Variant type: single nucleotide variant.
Coding change: c.2222+1G>A on transcript NM_000352.6 (MANE Select); the canonical splice donor site of the intron after coding-DNA position 2222, G replaced by A.
Molecular consequence: splice donor variant.
Genome position (GRCh38, 1-based): chr11:17,427,048, C>T on the plus strand (G>A on the coding strand, the complement: ABCC8 is on the minus strand). VCF-style: chr11-17427048-C-T. GRCh37 (hg19) VCF-style: chr11-17448595-C-T.
Other names: c.2219+1G>A (NM_001351297.2, NM_001351296.2); c.2288+1G>A (NM_001351295.2); c.2222+1G>A (NM_001287174.3).
Identifiers: ClinVar variation 554770 (VCV000554770.16), dbSNP rs1554923999, ClinGen allele CA379813385.